The following is an entry in ClinVar:

ClinVar aggregate classification (germline): Uncertain significance. Review status: criteria provided, multiple submitters, no conflicts (2 of 4 stars). 2 submissions from 2 submitters: Uncertain significance (2). Last evaluated 2025-11-11.

Allele frequency attached by ClinVar (database versions not stated): ExAC 0.00002; gnomAD exomes 0.00003; gnomAD 0.00004 and 0.00005; TOPMed 0.00004; 1000 Genomes Project 30x 0.00016; 1000 Genomes Project 0.00020.

Submissions (2):

Labcorp Genetics (formerly Invitae), Labcorp
Classification: Uncertain significance. Last evaluated: 2025-11-11. Review status: criteria provided, single submitter. Criteria: Invitae Variant Classification Sherloc (09022015). Collection method: clinical testing. Allele origin: germline.
Comment: This sequence change replaces glycine, which is neutral and non-polar, with serine, which is neutral and polar, at codon 303 of the TCF3 protein (p.Gly303Ser). The frequency data for this variant in the population databases is considered unreliable, as metrics indicate poor data quality at this position in the gnomAD database. This variant has not been reported in the literature in individuals affected with TCF3-related conditions. ClinVar contains an entry for this variant (Variation ID: 1502651). An algorithm developed to predict the effect of missense changes on protein structure and function outputs the following: PolyPhen-2: "Benign". The serine amino acid residue is found in multiple mammalian species, which suggests that this missense change does not adversely affect protein function. In summary, the available evidence is currently insufficient to determine the role of this variant in disease. Therefore, it has been classified as a Variant of Uncertain Significance.

Breakthrough Genomics
Classification: Uncertain significance. Review status: criteria provided, single submitter. Criteria: ACMG Guidelines, 2015. Collection method: not provided. Allele origin: germline. Inheritance: Autosomal recessive inheritance. Affected: yes.

NM_003200.5(TCF3):c.907G>A (p.Gly303Ser)

Gene: TCF3 (transcription factor 3; minus strand). Cytogenetic location: 19p13.3.
Variant type: single nucleotide variant.
Coding change: c.907G>A on transcript NM_003200.5 (MANE Select); coding-DNA position 907, G replaced by A.
Protein change: p.Gly303Ser; replaces glycine 303 with serine.
Molecular consequence: missense variant.
Genome position (GRCh38, 1-based): chr19:1,621,886, C>T on the plus strand (G>A on the coding strand, the complement: TCF3 is on the minus strand). VCF-style: chr19-1621886-C-T. GRCh37 (hg19) VCF-style: chr19-1621885-C-T.
Other names: c.907G>A, p.Gly303Ser (NM_001136139.4, NM_001351778.2, NM_001351779.2); short protein forms G303S.
Identifiers: ClinVar variation 1502651 (VCV001502651.7), dbSNP rs547275481, ClinGen allele CA9050173.